The following is an entry in ClinVar:

NM_001368809.2(AMPD2):c.818G>A (p.Arg273Gln)

Gene: AMPD2 (adenosine monophosphate deaminase 2; plus strand). Cytogenetic location: 1p13.3.
Variant type: single nucleotide variant.
Coding change: c.818G>A on transcript NM_001368809.2 (MANE Select); coding-DNA position 818, G replaced by A.
Protein change: p.Arg273Gln; replaces arginine 273 with glutamine.
Molecular consequence: missense variant.
Genome position (GRCh38, 1-based): chr1:109,627,274, G>A. VCF-style: chr1-109627274-G-A. GRCh37 (hg19) VCF-style: chr1-110169896-G-A.
Other names: c.626G>A, p.Arg209Gln (NM_001257361.2); c.755G>A, p.Arg252Gln (NM_001308170.1); c.818G>A, p.Arg273Gln (NM_004037.9); c.737G>A, p.Arg246Gln (NM_139156.4); short protein forms R252Q, R209Q, R246Q, R273Q.
Identifiers: ClinVar variation 1494174 (VCV001494174.6), dbSNP rs143736463, ClinGen allele CA992918.
Genomic context (GRCh38, chr1:109,627,274, plus strand): 5'-ATGAGCACTGTGAGCCAAGCACCATGCCTGGGGACCTGGGCTTGGGTCTGCGCATGGTGC[G>A]GGGTGTGGTGCACGTCTACACCCGCAGGGAACCCGACGAGCAGTAAGAGGGGTGTGGTGC-3'
Protein context (NP_001355738.1, residues 263-283): GDLGLGLRMV[Arg273Gln]GVVHVYTRRE

ClinVar aggregate classification (germline): Uncertain significance (1 of 4 stars; one submission).

Conditions:
Hereditary spastic paraplegia 63. Also called: Spastic paraplegia 63, autosomal recessive. Identifiers: Orphanet 401805, MedGen C3810295, MONDO:0014305, OMIM 615686.
Pontocerebellar hypoplasia type 9. Identifiers: Orphanet 369920, MedGen C4014354, MONDO:0014351, OMIM 615809.

Allele frequency attached by ClinVar (database versions not stated): gnomAD 0.00006; ESP Exome Variant Server 0.00008; TOPMed 0.00008; 1000 Genomes Project 0.00040; 1000 Genomes Project 30x 0.00062.

Submission:

Labcorp Genetics (formerly Invitae), Labcorp
Classification: Uncertain significance for Pontocerebellar hypoplasia type 9; Hereditary spastic paraplegia 63. Last evaluated: 2022-12-02. Review status: criteria provided, single submitter. Criteria: Invitae Variant Classification Sherloc (09022015). Collection method: clinical testing. Allele origin: germline.
Comment: This sequence change replaces arginine, which is basic and polar, with glutamine, which is neutral and polar, at codon 327 of the AMPD2 protein (p.Arg327Gln). In summary, the available evidence is currently insufficient to determine the role of this variant in disease. Therefore, it has been classified as a Variant of Uncertain Significance. Algorithms developed to predict the effect of missense changes on protein structure and function output the following: SIFT: "Tolerated"; PolyPhen-2: "Benign"; Align-GVGD: "Class C0". The glutamine amino acid residue is found in multiple mammalian species, which suggests that this missense change does not adversely affect protein function. ClinVar contains an entry for this variant (Variation ID: 1494174). This variant has not been reported in the literature in individuals affected with AMPD2-related conditions. This variant is present in population databases (rs143736463, gnomAD 0.03%).